The following is an entry in ClinVar:

NM_025233.7(COASY):c.356A>G (p.Gln119Arg)

Gene: COASY (Coenzyme A synthase; plus strand). Cytogenetic location: 17q21.2.
Variant type: single nucleotide variant.
Coding change: c.356A>G on transcript NM_025233.7 (MANE Select); coding-DNA position 356, A replaced by G.
Protein change: p.Gln119Arg; replaces glutamine 119 with arginine.
Molecular consequence: missense variant.
Genome position (GRCh38, 1-based): chr17:42,562,978, A>G. VCF-style: chr17-42562978-A-G. GRCh37 (hg19) VCF-style: chr17-40714996-A-G.
Other names: c.356A>G, p.Gln119Arg (NM_001042529.3); c.443A>G, p.Gln148Arg (NM_001042532.4); short protein forms Q119R, Q148R.
Identifiers: ClinVar variation 2144217 (VCV002144217.4), dbSNP rs1175642130, ClinGen allele CA399617626.

ClinVar aggregate classification (germline): Uncertain significance (1 of 4 stars; one submission).

Conditions:
Neurodegeneration with brain iron accumulation 6 (NBIA6). Also called: COASY protein-associated neurodegeneration. Identifiers: Orphanet 397725, MedGen C4517377, MONDO:0014290, OMIM 615643.

Allele frequency attached by ClinVar (database versions not stated): TOPMed below 0.00001.

Submission:

Labcorp Genetics (formerly Invitae), Labcorp
Classification: Uncertain significance for Neurodegeneration with brain iron accumulation 6. Last evaluated: 2025-01-06. Review status: criteria provided, single submitter. Criteria: Invitae Variant Classification Sherloc (09022015). Collection method: clinical testing. Allele origin: germline.
Comment: This sequence change replaces glutamine, which is neutral and polar, with arginine, which is basic and polar, at codon 119 of the COASY protein (p.Gln119Arg). This variant is not present in population databases (gnomAD no frequency). This variant has not been reported in the literature in individuals affected with COASY-related conditions. ClinVar contains an entry for this variant (Variation ID: 2144217). Invitae Evidence Modeling of protein sequence and biophysical properties (such as structural, functional, and spatial information, amino acid conservation, physicochemical variation, residue mobility, and thermodynamic stability) indicates that this missense variant is not expected to disrupt COASY protein function with a negative predictive value of 80%. In summary, the available evidence is currently insufficient to determine the role of this variant in disease. Therefore, it has been classified as a Variant of Uncertain Significance.